The following is an entry in ClinVar:

NM_000155.4(GALT):c.794del (p.Pro265fs)

Gene: GALT (galactose-1-phosphate uridylyltransferase; plus strand). Cytogenetic location: 9p13.3.
Variant type: Deletion.
Coding change: c.794del on transcript NM_000155.4 (MANE Select); coding-DNA position 794, one base deleted (C; older notation c.794delC).
Protein change: p.Pro265fs; shifts the reading frame from proline 265.
Molecular consequence: frameshift variant.
Genome position (GRCh38, 1-based): chr9:34,648,868, C deleted; the last of 2 consecutive C bases (chr9:34,648,867-34,648,868); deleting either gives the same sequence. VCF-style (leftmost placement, unchanged base first): chr9-34648866-AC-A. GRCh37 (hg19) VCF-style: chr9-34648863-AC-A.
Other names: c.467del, p.Pro156fs (NM_001258332.2); short protein forms P156fs, P265fs.
Identifiers: ClinVar variation 3341391 (VCV003341391.1).

ClinVar aggregate classification (germline): Likely pathogenic (1 of 4 stars; one submission).

Conditions:
Deficiency of UDPglucose-hexose-1-phosphate uridylyltransferase. Also called: GALACTOSEMIA I; GALT deficiency; Galactosemia, classic; Transferase Deficiency Galactosemia; GALACTOSE-1-PHOSPHATE URIDYLYLTRANSFERASE DEFICIENCY. Identifiers: Orphanet 352, Orphanet 79239, MedGen C0268151, MONDO:0009258, OMIM 230400.

Submission:

Neuberg Centre For Genomic Medicine, NCGM
Classification: Likely pathogenic for Deficiency of UDPglucose-hexose-1-phosphate uridylyltransferase. Last evaluated: 2023-05-20. Review status: criteria provided, single submitter. Criteria: ACMG Guidelines, 2015. Collection method: clinical testing. Allele origin: germline. Inheritance: Autosomal recessive inheritance. Affected: yes.
Comment: The frameshift variant c.794del (p.Pro265LeufsTer3) in the GALT gene has not been reported previously as a pathogenic variant nor as a benign variant, to our knowledge. The variant is absent in the gnomAD Exomes. This variant causes a frameshift starting with codon Proline 265, changes this amino acid to Leucine residue, and creates a premature Stop codon at position 3 of the new reading frame. This variant is predicted to cause a loss of normal protein function through protein truncation. Loss of function variants has been previously reported to be disease causing (Waisbren et al., 2021). For these reasons, this variant has been classified as Likely Pathogenic.